The following is an entry in ClinVar:

ClinVar aggregate classification (germline): Uncertain significance. Review status: criteria provided, multiple submitters, no conflicts (2 of 4 stars). 5 submissions from 5 submitters: Uncertain significance (5). Last evaluated 2026-07-05.

Conditions:
PIEZO1-related disorder. Also called: PIEZO1-related condition; PIEZO1-Related Disorders.
Lymphatic malformation 6 (LMPHM6). Also called: GENERALIZED LYMPHATIC DYSPLASIA OF FOTIOU; Lymphedema, hereditary, III; PIEZO1-related generalized lymphatic dysplasia with non-immune hydrops fetalis. Identifiers: Orphanet 568062, MedGen C4225184, MONDO:0014797, OMIM 616843.
Dehydrated hereditary stomatocytosis with or without pseudohyperkalemia and/or perinatal edema (DHS1). Also called: Dehydrated hereditary stomatocytosis 1 with or without pseudohyperkalemia and/or perinatal edema; PSEUDOHYPERKALEMIA EDINBURGH; DEHYDRATED HEREDITARY STOMATOCYTOSIS AND PSEUDOHYPERKALEMIA; DEHYDRATED HEREDITARY STOMATOCYTOSIS WITH PSEUDOHYPERKALEMIA AND PERINATAL EDEMA; Pseudohyperkalemia, familial, 1, due to red cell leak. Identifiers: Orphanet 3202, MedGen C4551512, MONDO:0008689, OMIM 194380.
Inborn genetic diseases. Identifiers: MedGen C0950123, MeSH D030342.

Allele frequency attached by ClinVar (database versions not stated): gnomAD 0.00003; TOPMed 0.00004; gnomAD exomes 0.00006.
gnomAD v4.1: 87 of 1,550,256 alleles (0.0056%); highest among the groups gnomAD compares: Non-Finnish European, 0.0073%; no homozygotes.

Submissions (5):

PreventionGenetics, part of Exact Sciences
Classification: Uncertain significance for PIEZO1-related condition. Last evaluated: 2026-07-05. Review status: criteria provided, single submitter. Criteria: ACMG Guidelines, 2015. Collection method: clinical testing. Allele origin: germline.
Comment: The PIEZO1 c.3542G>A variant is predicted to result in the amino acid substitution p.Arg1181His. To our knowledge, this variant has not been reported in the literature. This variant is reported in 0.0053% of alleles in individuals of European (Non-Finnish) descent in gnomAD. At this time, the clinical significance of this variant is uncertain due to the absence of conclusive functional and genetic evidence.

Ambry Genetics
Classification: Uncertain significance for Inborn genetic diseases. Last evaluated: 2025-02-04. Review status: criteria provided, single submitter. Criteria: Ambry Variant Classification Scheme 2023. Collection method: clinical testing. Allele origin: germline.

Revvity Omics, Revvity
Classification: Uncertain significance. Last evaluated: 2024-08-20. Review status: criteria provided, single submitter. Criteria: ACMG Guidelines, 2015. Collection method: clinical testing. Allele origin: germline.

CeGaT Center for Human Genetics Tuebingen
Classification: Uncertain significance. Last evaluated: 2024-07-01. Review status: criteria provided, single submitter. Criteria: CeGaT Center For Human Genetics Tuebingen Variant Classification Criteria Version 2. Collection method: clinical testing. Allele origin: germline. Affected: yes. Observed: 2 variant alleles.
Comment: PIEZO1: PM2

Department of Pathology and Laboratory Medicine, Sinai Health System
Classification: Uncertain significance for Dehydrated hereditary stomatocytosis with or without pseudohyperkalemia and/or perinatal edema; Lymphatic malformation 6. Last evaluated: 2023-10-02. Review status: criteria provided, single submitter. Criteria: ACMG Guidelines, 2015. Collection method: research. Allele origin: germline.

NM_001142864.4(PIEZO1):c.3542G>A (p.Arg1181His)

Gene: PIEZO1 (piezo type mechanosensitive ion channel component 1 (Er blood group); minus strand). Cytogenetic location: 16q24.3.
Variant type: single nucleotide variant.
Coding change: c.3542G>A on transcript NM_001142864.4 (MANE Select); coding-DNA position 3542, G replaced by A.
Protein change: p.Arg1181His; replaces arginine 1181 with histidine.
Molecular consequence: missense variant.
Genome position (GRCh38, 1-based): chr16:88,726,872, C>T on the plus strand (G>A on the coding strand, the complement: PIEZO1 is on the minus strand). VCF-style: chr16-88726872-C-T. GRCh37 (hg19) VCF-style: chr16-88793280-C-T.
Other names: c.3542G>A (NM_001142864.2, NM_001142864.3); c.2084G>A, p.Arg695His (NM_014745.1); short protein forms R1181H, R695H.
Identifiers: ClinVar variation 2434742 (VCV002434742.27), dbSNP rs867599439, ClinGen allele CA286413768.